The following is an entry in ClinVar:

NM_001371928.1(AHDC1):c.638G>A (p.Gly213Asp)

Gene: AHDC1 (AT-hook DNA binding motif containing 1; minus strand). Cytogenetic location: 1p36.11.
Variant type: single nucleotide variant.
Coding change: c.638G>A on transcript NM_001371928.1 (MANE Select); coding-DNA position 638, G replaced by A.
Protein change: p.Gly213Asp; replaces glycine 213 with aspartic acid.
Molecular consequence: missense variant.
Genome position (GRCh38, 1-based): chr1:27,551,478, C>T on the plus strand (G>A on the coding strand, the complement: AHDC1 is on the minus strand). VCF-style: chr1-27551478-C-T. GRCh37 (hg19) VCF-style: chr1-27877989-C-T.
Other names: c.638G>A, p.Gly213Asp (NM_001029882.3); short protein forms G213D.
Identifiers: ClinVar variation 3604083 (VCV003604083.2).
Genomic context (GRCh38, chr1:27,551,478, plus strand): 5'-CTGTCTGGCTCAGGCTCTGGGGGCAGACCCGTGGCCGCAGCCGTGGCTCCGGGACTATGG[C>T]CTTGGCCAGGCTGGGGACTGTCCCTAGGCTCAGGCTCAGGCTCGTAGAGGGGATGGCTGG-3'
Protein context (NP_001358857.1, residues 203-223): EPRDSPQPGQ[Gly213Asp]HSPGATAAAT

ClinVar aggregate classification (germline): Uncertain significance (1 of 4 stars; one submission).

gnomAD v4.1: 3 of 1,608,556 alleles (0.00019%); highest among the groups gnomAD compares: African/African-American, 0.004%; no homozygotes.

Submission:

Labcorp Genetics (formerly Invitae), Labcorp
Classification: Uncertain significance. Last evaluated: 2024-06-22. Review status: criteria provided, single submitter. Criteria: Invitae Variant Classification Sherloc (09022015). Collection method: clinical testing. Allele origin: germline.
Comment: This sequence change replaces glycine, which is neutral and non-polar, with aspartic acid, which is acidic and polar, at codon 213 of the AHDC1 protein (p.Gly213Asp). This variant is present in population databases (no rsID available, gnomAD 0.007%). This variant has not been reported in the literature in individuals affected with AHDC1-related conditions. An algorithm developed to predict the effect of missense changes on protein structure and function (PolyPhen-2) suggests that this variant is likely to be disruptive. In summary, the available evidence is currently insufficient to determine the role of this variant in disease. Therefore, it has been classified as a Variant of Uncertain Significance.